The following is an entry in ClinVar:

NM_001006607.3(LRRC37A2):c.4004G>T (p.Arg1335Ile)

Genes: ARL17A (ARF like GTPase 17A; minus strand), LRRC37A2 (leucine rich repeat containing 37 member A2). Cytogenetic location: 17q21.31.
Variant type: single nucleotide variant.
Coding change: c.4004G>T on transcript NM_001006607.3 (MANE Select); coding-DNA position 4004, G replaced by T.
Protein change: p.Arg1335Ile; replaces arginine 1335 with isoleucine.
Molecular consequence: missense variant. On other transcripts: intron variant (6).
Genome position (GRCh38, 1-based): chr17:46,549,143, G>T. VCF-style: chr17-46549143-G-T. GRCh37 (hg19) VCF-style: chr17-44626509-G-T.
Other names: c.4004G>T, p.Arg1335Ile (NM_001385803.1); c.259+21616C>A (NM_001288812.1, NM_016632.2); c.260-20284C>A (NM_001288813.1); c.260-10717C>A (NM_001288811.1); c.260-683C>A (NM_001330244.1); c.526-683C>A (NM_001411134.1); short protein forms R1335I.
Identifiers: ClinVar variation 4547783 (VCV004547783.1).

ClinVar aggregate classification (germline): Uncertain significance (1 of 4 stars; one submission).

gnomAD v4.1: 4 of 1,611,424 alleles (0.00025%); highest among the groups gnomAD compares: African/African-American, 0.0055%; no homozygotes.

Submission:

Ambry Genetics
Classification: Uncertain significance. Last evaluated: 2025-10-30. Review status: criteria provided, single submitter. Criteria: Ambry Variant Classification Scheme 2023. Collection method: clinical testing. Allele origin: germline.
Comment: The c.4004G>T (p.R1335I) alteration is located in exon 9 (coding exon 9) of the LRRC37A2 gene. This alteration results from a G to T substitution at nucleotide position 4004, causing the arginine (R) at amino acid position 1335 to be replaced by an isoleucine (I). Based on data from gnomAD, the T allele has an overall frequency of 0.003% (1/30898) total alleles studied. The highest observed frequency was 0.012% (1/8256) of African alleles. Based on insufficient or conflicting evidence, the clinical significance of this alteration remains unclear.